The following is an entry in ClinVar:

ClinVar aggregate classification (germline): Uncertain significance (1 of 4 stars; one submission).

Conditions:
Charcot-Marie-Tooth disease, type I (CMT1). Also called: Charcot-Marie-Tooth disease type 1; Charcot-Marie-Tooth, Type 1. Identifiers: Orphanet 65753, MedGen C0751036, MONDO:0019011.

Allele frequency attached by ClinVar (database versions not stated): gnomAD exomes below 0.00001.

Submission:

Labcorp Genetics (formerly Invitae), Labcorp
Classification: Uncertain significance for Charcot-Marie-Tooth disease, type I. Last evaluated: 2024-11-11. Review status: criteria provided, single submitter. Criteria: Invitae Variant Classification Sherloc (09022015). Collection method: clinical testing. Allele origin: germline.
Comment: This sequence change replaces alanine, which is neutral and non-polar, with serine, which is neutral and polar, at codon 4 of the EGR2 protein (p.Ala4Ser). This variant is present in population databases (no rsID available, gnomAD 0.003%). This variant has not been reported in the literature in individuals affected with EGR2-related conditions. ClinVar contains an entry for this variant (Variation ID: 1427234). Invitae Evidence Modeling of protein sequence and biophysical properties (such as structural, functional, and spatial information, amino acid conservation, physicochemical variation, residue mobility, and thermodynamic stability) has been performed for this missense variant. However, the output from this modeling did not meet the statistical confidence thresholds required to predict the impact of this variant on EGR2 protein function. In summary, the available evidence is currently insufficient to determine the role of this variant in disease. Therefore, it has been classified as a Variant of Uncertain Significance.

NM_000399.5(EGR2):c.10G>T (p.Ala4Ser)

Gene: EGR2 (early growth response 2; minus strand). Cytogenetic location: 10q21.3.
Variant type: single nucleotide variant.
Coding change: c.10G>T on transcript NM_000399.5 (MANE Select); coding-DNA position 10, G replaced by T.
Protein change: p.Ala4Ser; replaces alanine 4 with serine.
Molecular consequence: missense variant. On other transcripts: intron variant (2).
Genome position (GRCh38, 1-based): chr10:62,816,020, C>A on the plus strand (G>T on the coding strand, the complement: EGR2 is on the minus strand). VCF-style: chr10-62816020-C-A. GRCh37 (hg19) VCF-style: chr10-64575780-C-A.
Other names: c.10G>T, p.Ala4Ser (NM_001136177.3, NM_001136178.2); c.-90-51G>T (NM_001321037.2); c.-91+50G>T (NM_001136179.3); short protein forms A4S.
Identifiers: ClinVar variation 1427234 (VCV001427234.6), dbSNP rs1283821248, ClinGen allele CA377034632.